The following is an entry in ClinVar:

ClinVar aggregate classification (germline): Uncertain significance (1 of 4 stars; one submission).

Conditions:
Progressive sclerosing poliodystrophy (MTDPS4A). Also called: ALPERS PROGRESSIVE INFANTILE POLIODYSTROPHY; NEURONAL DEGENERATION OF CHILDHOOD WITH LIVER DISEASE, PROGRESSIVE; Mitochondrial DNA Depletion Syndrome 4A; Alpers Syndrome; ALPERS DIFFUSE DEGENERATION OF CEREBRAL GRAY MATTER WITH HEPATIC CIRRHOSIS; Alpers-Huttenlocher Syndrome. Identifiers: Orphanet 726, MedGen C0205710, MONDO:0008758, OMIM 203700.

gnomAD v4.1: 1 of 1,614,018 alleles (0.000062%); highest among the groups gnomAD compares: Non-Finnish European, 0.000085%; no homozygotes.

Submission:

Labcorp Genetics (formerly Invitae), Labcorp
Classification: Uncertain significance for Progressive sclerosing poliodystrophy. Last evaluated: 2025-08-17. Review status: criteria provided, single submitter. Criteria: Invitae Variant Classification Sherloc (09022015). Collection method: clinical testing. Allele origin: germline.
Comment: This sequence change replaces aspartic acid, which is acidic and polar, with glutamic acid, which is acidic and polar, at codon 741 of the POLG protein (p.Asp741Glu). This variant is not present in population databases (gnomAD no frequency). This variant has not been reported in the literature in individuals affected with POLG-related conditions. Invitae Evidence Modeling of protein sequence and biophysical properties (such as structural, functional, and spatial information, amino acid conservation, physicochemical variation, residue mobility, and thermodynamic stability) indicates that this missense variant is not expected to disrupt POLG protein function with a negative predictive value of 95%. In summary, the available evidence is currently insufficient to determine the role of this variant in disease. Therefore, it has been classified as a Variant of Uncertain Significance.

NM_002693.3(POLG):c.2223C>G (p.Asp741Glu)

Gene: POLG (DNA polymerase gamma, catalytic subunit; minus strand). Cytogenetic location: 15q26.1.
Variant type: single nucleotide variant.
Coding change: c.2223C>G on transcript NM_002693.3 (MANE Select); coding-DNA position 2223, C replaced by G.
Protein change: p.Asp741Glu; replaces aspartic acid 741 with glutamic acid.
Molecular consequence: missense variant.
Genome position (GRCh38, 1-based): chr15:89,323,446, G>C on the plus strand (C>G on the coding strand, the complement: POLG is on the minus strand). VCF-style: chr15-89323446-G-C. GRCh37 (hg19) VCF-style: chr15-89866677-G-C.
Other names: c.2223C>G, p.Asp741Glu (NM_001126131.2); short protein forms D741E.
Identifiers: ClinVar variation 4806131 (VCV004806131.1).
Genomic context (GRCh38, chr15:89,323,446, plus strand): 5'-CCATGACCCAGGACACACCTTGTGAGGCAGCTTGAAAAACCAGCAGCCAGGGATGTCCAC[G>C]TCGTTGTAAGGTCCATTGCCATGGTGATAGCTGGGCTGGGTGTCCTTGGGGCCACCACGG-3'
Protein context (NP_002684.1, residues 731-751): SYHHGNGPYN[Asp741Glu]VDIPGCWFFK